The following is an entry in ClinVar:

ClinVar aggregate classification (germline): Uncertain significance. Review status: criteria provided, multiple submitters, no conflicts (2 of 4 stars). 2 submissions from 2 submitters: Uncertain significance (2). Last evaluated 2024-10-23.

Conditions:
CHRNA4-related disorder. Also called: CHRNA4-related condition.
Familial sleep-related hypermotor epilepsy. Also called: Autosomal Dominant Sleep-Related Hypermotor (Hyperkinetic) Epilepsy. Identifiers: Orphanet 98784, MedGen C3696898, MONDO:0000030.

Submissions (2):

Labcorp Genetics (formerly Invitae), Labcorp
Classification: Uncertain significance. Last evaluated: 2024-10-23. Review status: criteria provided, single submitter. Criteria: Invitae Variant Classification Sherloc (09022015). Collection method: clinical testing. Allele origin: germline.
Comment: This sequence change replaces proline, which is neutral and non-polar, with leucine, which is neutral and non-polar, at codon 442 of the CHRNA4 protein (p.Pro442Leu). This variant is not present in population databases (gnomAD no frequency). This variant has not been reported in the literature in individuals affected with CHRNA4-related conditions. This missense change has been observed in at least one individual who was not affected with CHRNA4-related conditions (internal data). ClinVar contains an entry for this variant (Variation ID: 2014928). An algorithm developed to predict the effect of missense changes on protein structure and function (PolyPhen-2) suggests that this variant is likely to be disruptive. In summary, the available evidence is currently insufficient to determine the role of this variant in disease. Therefore, it has been classified as a Variant of Uncertain Significance.

PreventionGenetics, part of Exact Sciences
Classification: Uncertain significance for CHRNA4-related condition. Last evaluated: 2023-04-17. Review status: criteria provided, single submitter. Criteria: ACMG Guidelines, 2015. Collection method: clinical testing. Allele origin: germline.
Comment: The CHRNA4 c.1325C>T variant is predicted to result in the amino acid substitution p.Pro442Leu. To our knowledge, this variant has not been reported in the literature or in a large population database, indicating this variant is rare. At this time, the clinical significance of this variant is uncertain due to the absence of conclusive functional and genetic evidence.

NM_000744.7(CHRNA4):c.1325C>T (p.Pro442Leu)

Gene: CHRNA4 (cholinergic receptor nicotinic alpha 4 subunit; minus strand). Cytogenetic location: 20q13.33.
Variant type: single nucleotide variant.
Coding change: c.1325C>T on transcript NM_000744.7 (MANE Select); coding-DNA position 1325, C replaced by T.
Protein change: p.Pro442Leu; replaces proline 442 with leucine.
Molecular consequence: missense variant. On other transcripts: non-coding transcript variant (1).
Genome position (GRCh38, 1-based): chr20:63,350,086, G>A on the plus strand (C>T on the coding strand, the complement: CHRNA4 is on the minus strand). VCF-style: chr20-63350086-G-A. GRCh37 (hg19) VCF-style: chr20-61981438-G-A.
Other names: c.1325C>T (NM_000744.6); c.797C>T, p.Pro266Leu (NM_001256573.2); short protein forms P266L, P442L.
Identifiers: ClinVar variation 2014928 (VCV002014928.5), dbSNP rs868210247, ClinGen allele CA409633858.